The following is an entry in ClinVar:

ClinVar aggregate classification (germline): Uncertain significance. Review status: criteria provided, multiple submitters, no conflicts (2 of 4 stars). 2 submissions from 2 submitters: Uncertain significance (2). Last evaluated 2024-07-01.

Allele frequency attached by ClinVar (database versions not stated): gnomAD exomes below 0.00001; TOPMed 0.00003.
gnomAD v4.1: 5 of 1,545,040 alleles (0.00032%); highest among the groups gnomAD compares: Admixed American, 0.0059%; no homozygotes.

Submissions (2):

Labcorp Genetics (formerly Invitae), Labcorp
Classification: Uncertain significance. Last evaluated: 2024-07-01. Review status: criteria provided, single submitter. Criteria: Invitae Variant Classification Sherloc (09022015). Collection method: clinical testing. Allele origin: germline.
Comment: This sequence change replaces arginine, which is basic and polar, with histidine, which is basic and polar, at codon 2 of the KCNK4 protein (p.Arg2His). This variant is not present in population databases (gnomAD no frequency). This variant has not been reported in the literature in individuals affected with KCNK4-related conditions. An algorithm developed to predict the effect of missense changes on protein structure and function (PolyPhen-2) suggests that this variant is likely to be disruptive. In summary, the available evidence is currently insufficient to determine the role of this variant in disease. Therefore, it has been classified as a Variant of Uncertain Significance.

Ambry Genetics
Classification: Uncertain significance. Last evaluated: 2024-05-30. Review status: criteria provided, single submitter. Criteria: Ambry Variant Classification Scheme 2023. Collection method: clinical testing. Allele origin: germline.

NM_033310.3(KCNK4):c.5G>A (p.Arg2His)

Genes: KCNK4 (potassium two pore domain channel subfamily K member 4; plus strand), KCNK4-CATSPERZ (KCNK4-CATSPERZ readthrough (NMD candidate); plus strand). Cytogenetic location: 11q13.1.
Variant type: single nucleotide variant.
Coding change: c.5G>A on transcript NM_033310.3 (MANE Select); coding-DNA position 5, G replaced by A.
Protein change: p.Arg2His; replaces arginine 2 with histidine.
Molecular consequence: missense variant. On other transcripts: non-coding transcript variant (2).
Genome position (GRCh38, 1-based): chr11:64,293,023, G>A. VCF-style: chr11-64293023-G-A. GRCh37 (hg19) VCF-style: chr11-64060495-G-A.
Other names: c.5G>A, p.Arg2His (NM_033311.1, NM_001317090.2); c.5G>A (NM_033310.2); short protein forms R2H.
Identifiers: ClinVar variation 2778395 (VCV002778395.4), dbSNP rs867555217, ClinGen allele CA223876370.